The following is an entry in ClinVar:

ClinVar aggregate classification (germline): Likely benign. Review status: criteria provided, multiple submitters, no conflicts (2 of 4 stars). 2 submissions from 2 submitters: Likely benign (2). Last evaluated 2026-01-05.

Conditions:
Immunodeficiency 35 (IMD35). Also called: Susceptibility to infection due to TYK2 deficiency; HIES WITH ATYPICAL MYCOBACTERIOSIS, AUTOSOMAL RECESSIVE; HYPER-IgE SYNDROME WITH ATYPICAL MYCOBACTERIOSIS, AUTOSOMAL RECESSIVE; TYK2 DEFICIENCY. Identifiers: Orphanet 331226, MedGen C1969086, MONDO:0012682, OMIM 611521.

Allele frequency attached by ClinVar (database versions not stated): gnomAD exomes 0.00001.

Submissions (2):

Labcorp Genetics (formerly Invitae), Labcorp
Classification: Likely benign for Immunodeficiency 35. Last evaluated: 2026-01-05. Review status: criteria provided, single submitter. Criteria: Invitae Variant Classification Sherloc (09022015). Collection method: clinical testing. Allele origin: germline.

CeGaT Center for Human Genetics Tuebingen
Classification: Likely benign. Last evaluated: 2022-04-01. Review status: criteria provided, single submitter. Criteria: CeGaT Center For Human Genetics Tuebingen Variant Classification Criteria Version 2. Collection method: clinical testing. Allele origin: germline. Affected: yes. Observed: 1 variant allele.
Comment: TYK2: BP4, BP7

NM_003331.5(TYK2):c.844C>T (p.Leu282=)

Gene: TYK2 (tyrosine kinase 2; minus strand). Cytogenetic location: 19p13.2.
Variant type: single nucleotide variant.
Coding change: c.844C>T on transcript NM_003331.5 (MANE Select); coding-DNA position 844, C replaced by T.
Protein change: p.Leu282=; no amino-acid change (leucine 282 retained).
Molecular consequence: synonymous variant.
Genome position (GRCh38, 1-based): chr19:10,365,684, G>A on the plus strand (C>T on the coding strand, the complement: TYK2 is on the minus strand). VCF-style: chr19-10365684-G-A. GRCh37 (hg19) VCF-style: chr19-10476360-G-A.
Other names: c.844C>T, p.Leu282= (NM_001385197.1, NM_001385198.1, NM_001385199.1 and 7 more transcripts); c.754C>T, p.Leu252= (NM_001385205.1).
Identifiers: ClinVar variation 1560187 (VCV001560187.31), dbSNP rs753449931, ClinGen allele CA305207190.